The following is an entry in ClinVar:

Conditions:
Breast-ovarian cancer, familial, susceptibility to, 1 (BROVCA1). Also called: BRCA1 Hereditary Breast and Ovarian Cancer; OVARIAN CANCER, SUSCEPTIBILITY TO. Identifiers: Orphanet 145, MedGen C2676676, MONDO:0011450, OMIM 604370. Disease mechanism: loss of function.

Submission:

Brotman Baty Institute, University of Washington
No classification provided (evidence only). Condition: Breast-ovarian cancer, familial 1. Review status: no classification provided. Collection method: in vitro. Allele origin: not applicable. Functional consequence: functionally_normal.
ClinVar note: "not provided" was previously submitted as the classification for the variant. However, the classification appeared to be based only on an observation of functional data so it was converted to no classification on 2025-07-30.

NM_007294.4(BRCA1):c.4980A>C (p.Glu1660Asp)

Gene: BRCA1 (BRCA1 DNA repair associated; minus strand). Cytogenetic location: 17q21.31.
Variant type: single nucleotide variant.
Coding change: c.4980A>C on transcript NM_007294.4 (MANE Select); coding-DNA position 4980, A replaced by C.
Protein change: p.Glu1660Asp; replaces glutamic acid 1660 with aspartic acid.
Molecular consequence: missense variant. On other transcripts: non-coding transcript variant (1).
Genome position (GRCh38, 1-based): chr17:43,070,934, T>G on the plus strand (A>C on the coding strand, the complement: BRCA1 is on the minus strand). VCF-style: chr17-43070934-T-G. GRCh37 (hg19) VCF-style: chr17-41222951-T-G.
Other names: c.4767A>C, p.Glu1589Asp (NM_001407571.1, NM_001407904.1, NM_001407906.1 and 12 more transcripts); c.5046A>C, p.Glu1682Asp (NM_001407581.1, NM_001407582.1); c.5043A>C, p.Glu1681Asp (NM_001407583.1, NM_001407585.1, NM_001407587.1 and 1 more transcripts); c.5040A>C, p.Glu1680Asp (NM_001407590.1, NM_001407591.1); c.4980A>C, p.Glu1660Asp (NM_001407593.1, NM_001407594.1, NM_001407596.1 and 8 more transcripts); c.4977A>C, p.Glu1659Asp (NM_001407610.1, NM_001407611.1, NM_001407612.1 and 17 more transcripts); c.4974A>C, p.Glu1658Asp (NM_001407631.1, NM_001407632.1, NM_001407633.1 and 14 more transcripts); c.4902A>C, p.Glu1634Asp (NM_001407653.1, NM_001407654.1, NM_001407655.1); and 70 more; short protein forms E1613D, E1660D, E556D, E1681D, E1364D, E1491D, E1591D, E1611D.
Identifiers: ClinVar variation 868473 (VCV000868473.3), dbSNP rs2052355896, ClinGen allele CA10591566.
Genomic context (GRCh38, chr17:43,070,934, plus strand): 5'-TCCAGAATGTTGTTAAGTCTTAGTCATTAGGGAGATACATATGGATACACTCACAAATTC[T>G]TCTGGGGTCAGGCCAGACACCACCATGGACATTCTTTTGTTGACCCTTTCTGTTGAAGCT-3'
Protein context (NP_009225.1, residues 1650-1670): MSMVVSGLTP[Glu1660Asp]EFMLVYKFAR